The following is an entry in ClinVar:

NM_001243279.3(ACSF3):c.1113C>T (p.Ala371=)

Genes: ACSF3 (acyl-CoA synthetase family member 3; plus strand), LOC125177393 (P300/CBP strongly-dependent group 1 enhancer GRCh37_chr16:89180375-89181574; plus strand). Cytogenetic location: 16q24.3.
Variant type: single nucleotide variant.
Coding change: c.1113C>T on transcript NM_001243279.3 (MANE Select); coding-DNA position 1113, C replaced by T.
Protein change: p.Ala371=; no amino-acid change (alanine 371 retained).
Molecular consequence: synonymous variant. On other transcripts: non-coding transcript variant (2).
Genome position (GRCh38, 1-based): chr16:89,114,474, C>T. VCF-style: chr16-89114474-C-T. GRCh37 (hg19) VCF-style: chr16-89180882-C-T.
Other names: c.1113C>T, p.Ala371= (NM_001127214.4, NM_174917.5); c.318C>T, p.Ala106= (NM_001284316.2).
Identifiers: ClinVar variation 513809 (VCV000513809.14), dbSNP rs201792144, ClinGen allele CA8237970.
Genomic context (GRCh38, chr16:89,114,474, plus strand): 5'-GCTGGAGCGGTATGGCATGACCGAGATCGGCATGGCTCTGTCCGGGCCCCTGACCACTGC[C>T]GTGCGCCTGCCAGGTACGAGCACTTCCCACAGCTGCGTTCCTCTTCCACTGTGCTCTGAG-3'
Protein context (NP_001230208.1, residues 361-381): GMALSGPLTT[Ala371=]VRLPGSVGTP

ClinVar aggregate classification (germline): Likely benign. Review status: criteria provided, multiple submitters, no conflicts (2 of 4 stars). 4 submissions from 4 submitters: Likely benign (4). Last evaluated 2025-06-12.

Conditions:
Combined malonic and methylmalonic acidemia. Identifiers: Orphanet 289504, MedGen C3280314, MONDO:0013661, OMIM 614265.

Allele frequency attached by ClinVar (database versions not stated): gnomAD 0.00004 and 0.00006; TOPMed 0.00005; ESP Exome Variant Server 0.00015; 1000 Genomes Project 30x 0.00016; 1000 Genomes Project 0.00020.
gnomAD v4.1: 103 of 1,612,854 alleles (0.0064%); highest among the groups gnomAD compares: South Asian, 0.0088%; no homozygotes.

Submissions (4):

Labcorp Genetics (formerly Invitae), Labcorp
Classification: Likely benign for Combined malonic and methylmalonic acidemia. Last evaluated: 2025-06-12. Review status: criteria provided, single submitter. Criteria: Invitae Variant Classification Sherloc (09022015). Collection method: clinical testing. Allele origin: germline.

Blueprint Genetics
Classification: Likely benign. Last evaluated: 2020-03-12. Review status: criteria provided, single submitter. Criteria: ACMG Guidelines, 2015. Collection method: clinical testing. Allele origin: germline.

GeneDx
Classification: Likely benign. Last evaluated: 2017-12-21. Review status: criteria provided, single submitter. Criteria: GeneDx Variant Classification (06012015). Collection method: clinical testing. Allele origin: germline. Affected: yes.
Comment: This variant is considered likely benign or benign based on one or more of the following criteria: it is a conservative change, it occurs at a poorly conserved position in the protein, it is predicted to be benign by multiple in silico algorithms, and/or has population frequency not consistent with disease.

Breakthrough Genomics
Classification: Likely benign. Review status: criteria provided, single submitter. Criteria: ACMG Guidelines, 2015. Collection method: not provided. Allele origin: germline. Inheritance: Unknown mechanism. Affected: yes.